The following is an entry in ClinVar:

NM_001177693.2(ARHGEF28):c.1024+18212C>T

Gene: ARHGEF28 (Rho guanine nucleotide exchange factor 28; plus strand). Cytogenetic location: 5q13.2.
Variant type: single nucleotide variant.
Coding change: c.1024+18212C>T on transcript NM_001177693.2 (MANE Select); 18212 bases into the intron after coding-DNA position 1024, C replaced by T.
Molecular consequence: intron variant. On other transcripts: synonymous variant (1).
Genome position (GRCh38, 1-based): chr5:73,813,603, C>T. VCF-style: chr5-73813603-C-T. GRCh37 (hg19) VCF-style: chr5-73109428-C-T.
Other names: c.15C>T, p.Ser5= (NM_001244364.2); c.1024+18212C>T (NM_001080479.3, NM_001388078.1); c.730+18212C>T (NM_001388076.1).
Identifiers: ClinVar variation 3041603 (VCV003041603.2), dbSNP rs78818982, ClinGen allele CA3304423.

ClinVar aggregate classification (germline): Benign (0 of 4 stars; one submission).

Conditions:
ARHGEF28-related disorder. Also called: ARHGEF28-related condition.

Allele frequency attached by ClinVar (database versions not stated): gnomAD exomes 0.00101; ExAC 0.00155; 1000 Genomes Project 0.00599; gnomAD 0.00618; 1000 Genomes Project 30x 0.00625; TOPMed 0.00734.
gnomAD v4.1: 2,408 of 1,535,730 alleles (0.16%); highest among the groups gnomAD compares: African/African-American, 1.9%; 14 homozygotes.

Submission:

PreventionGenetics, part of Exact Sciences
Classification: Benign for ARHGEF28-related condition. Last evaluated: 2019-11-05. Review status: no assertion criteria provided. Collection method: clinical testing. Allele origin: germline.
Comment: This variant is classified as benign based on ACMG/AMP sequence variant interpretation guidelines (Richards et al. 2015 PMID: 25741868, with internal and published modifications).